The following is an entry in ClinVar:

ClinVar aggregate classification (germline): Uncertain significance (1 of 4 stars; one submission).

Allele frequency attached by ClinVar (database versions not stated): gnomAD 0.00001; gnomAD exomes 0.00001; TOPMed 0.00002; ExAC 0.00004.

Submission:

Labcorp Genetics (formerly Invitae), Labcorp
Classification: Uncertain significance. Last evaluated: 2023-12-20. Review status: criteria provided, single submitter. Criteria: Invitae Variant Classification Sherloc (09022015). Collection method: clinical testing. Allele origin: germline.
Comment: This sequence change replaces threonine, which is neutral and polar, with alanine, which is neutral and non-polar, at codon 212 of the RAB28 protein (p.Thr212Ala). This variant is present in population databases (rs749902773, gnomAD 0.04%). This variant has not been reported in the literature in individuals affected with RAB28-related conditions. An algorithm developed to predict the effect of missense changes on protein structure and function (PolyPhen-2) suggests that this variant is likely to be tolerated. In summary, the available evidence is currently insufficient to determine the role of this variant in disease. Therefore, it has been classified as a Variant of Uncertain Significance.

NM_004249.4(RAB28):c.634A>G (p.Thr212Ala)

Gene: RAB28 (RAB28, member RAS oncogene family; minus strand). Cytogenetic location: 4p15.33.
Variant type: single nucleotide variant.
Coding change: c.634A>G on transcript NM_004249.4 (MANE Plus Clinical); coding-DNA position 634, A replaced by G.
Protein change: p.Thr212Ala; replaces threonine 212 with alanine.
Molecular consequence: missense variant. On other transcripts: intron variant (2).
Genome position (GRCh38, 1-based): chr4:13,369,905, T>C on the plus strand (A>G on the coding strand, the complement: RAB28 is on the minus strand). VCF-style: chr4-13369905-T-C. GRCh37 (hg19) VCF-style: chr4-13371529-T-C.
Other names: c.574-1255A>G (NM_001017979.3); c.*32-1255A>G (NM_001159601.2); short protein forms T212A.
Identifiers: ClinVar variation 2887748 (VCV002887748.3), dbSNP rs749902773, ClinGen allele CA2859982.